The following is an entry in ClinVar:

ClinVar aggregate classification (germline): Pathogenic. Review status: criteria provided, single submitter (1 of 4 stars). 2 submissions from 2 submitters: Pathogenic (1). 1 of the submissions does not count toward it. Last evaluated 2026-06-01.

Conditions:
Pulmonary hypertension, primary, 1 (PPH1). Also called: Pulmonary hypertension, familial primary, 1, with or without HHT. Identifiers: Orphanet 422, MedGen C4552070, MONDO:0024533, OMIM 178600.

Allele frequency attached by ClinVar (database versions not stated): gnomAD exomes below 0.00001; ExAC 0.00001.
gnomAD v4.1: 2 of 1,614,158 alleles (0.00012%); highest among the groups gnomAD compares: Non-Finnish European, 0.00017%; no homozygotes.

Submissions (2):

CeGaT Center for Human Genetics Tuebingen
Classification: Pathogenic. Last evaluated: 2026-06-01. Review status: criteria provided, single submitter. Criteria: CeGaT Center For Human Genetics Tuebingen Variant Classification Criteria Version 2. Collection method: clinical testing. Allele origin: germline. Affected: yes. Observed: 1 variant allele.
Comment: BMPR2: PVS1, PM2

Rare Disease Genomics Group, St George's University of London
Classification: Pathogenic for Primary pulmonary hypertension. Review status: no assertion criteria provided. Collection method: literature only. Allele origin: germline. Affected: yes. Not counted in ClinVar's aggregate classification.

Literature cited by the submitters: PubMed 21801371 (cited by Rare Disease Genomics Group, St George's University of London).

NM_001204.7(BMPR2):c.1523G>A (p.Trp508Ter)

Gene: BMPR2 (bone morphogenetic protein receptor type 2; plus strand). Cytogenetic location: 2q33.2.
Variant type: single nucleotide variant.
Coding change: c.1523G>A on transcript NM_001204.7 (MANE Select); coding-DNA position 1523, G replaced by A.
Protein change: p.Trp508Ter; replaces tryptophan 508 with a stop codon.
Molecular consequence: nonsense.
Genome position (GRCh38, 1-based): chr2:202,552,825, G>A. VCF-style: chr2-202552825-G-A. GRCh37 (hg19) VCF-style: chr2-203417548-G-A.
Other names: c.1523G>A, p.W508* (LRG_712t1); short protein forms W508*.
Identifiers: ClinVar variation 425956 (VCV000425956.2), dbSNP rs780722371, ClinGen allele CA2061385.
Genomic context (GRCh38, chr2:202,552,825, plus strand): 5'-CAGAGGCTCGGCTTACTGCACAGTGTGCTGAGGAAAGGATGGCTGAACTTATGATGATTT[G>A]GGAAAGAAACAAATCTGTGAGCCCAACAGTCAATCCAATGTCTACTGCTATGCAGAATGA-3'